The following is an entry in ClinVar:

ClinVar aggregate classification (germline): Uncertain significance. Review status: criteria provided, multiple submitters, no conflicts (2 of 4 stars). 2 submissions from 2 submitters: Uncertain significance (2). Last evaluated 2026-01-05.

Allele frequency attached by ClinVar (database versions not stated): TOPMed below 0.00001; gnomAD 0.00001; gnomAD exomes 0.00001.

Submissions (2):

Labcorp Genetics (formerly Invitae), Labcorp
Classification: Uncertain significance. Last evaluated: 2026-01-05. Review status: criteria provided, single submitter. Criteria: Invitae Variant Classification Sherloc (09022015). Collection method: clinical testing. Allele origin: germline.
Comment: This sequence change replaces aspartic acid, which is acidic and polar, with glutamic acid, which is acidic and polar, at codon 933 of the TOPORS protein (p.Asp933Glu). This variant is not present in population databases (gnomAD no frequency). This variant has not been reported in the literature in individuals affected with TOPORS-related conditions. ClinVar contains an entry for this variant (Variation ID: 2995492). Experimental studies and prediction algorithms are not available or were not evaluated, and the functional significance of this variant is currently unknown. In summary, the available evidence is currently insufficient to determine the role of this variant in disease. Therefore, it has been classified as a Variant of Uncertain Significance.

Blueprint Genetics
Classification: Uncertain significance. Last evaluated: 2024-02-16. Review status: criteria provided, single submitter. Criteria: ACMG Guidelines, 2015. Collection method: clinical testing. Allele origin: germline.

NM_005802.5(TOPORS):c.2799C>A (p.Asp933Glu)

Gene: TOPORS (TOP1 binding arginine/serine rich protein, E3 ubiquitin ligase; minus strand). Cytogenetic location: 9p21.1.
Variant type: single nucleotide variant.
Coding change: c.2799C>A on transcript NM_005802.5 (MANE Select); coding-DNA position 2799, C replaced by A.
Protein change: p.Asp933Glu; replaces aspartic acid 933 with glutamic acid.
Molecular consequence: missense variant.
Genome position (GRCh38, 1-based): chr9:32,541,726, G>T on the plus strand (C>A on the coding strand, the complement: TOPORS is on the minus strand). VCF-style: chr9-32541726-G-T. GRCh37 (hg19) VCF-style: chr9-32541724-G-T.
Other names: c.2604C>A, p.Asp868Glu (NM_001195622.2); short protein forms D933E, D868E.
Identifiers: ClinVar variation 2995492 (VCV002995492.4), dbSNP rs1821062437, ClinGen allele CA373160904.